The following is an entry in ClinVar:

ClinVar aggregate classification (germline): Uncertain significance (1 of 4 stars; one submission).

Conditions:
Early-infantile DEE. Also called: Early infantile epileptic encephalopathy with suppression bursts; Early infantile epileptic encephalopathy; Ohtahara syndrome. Identifiers: Orphanet 1934, MedGen C0393706, MONDO:0800491.

gnomAD v4.1: 1 of 1,611,136 alleles (0.000062%); highest among the groups gnomAD compares: Non-Finnish European, 0.000085%; no homozygotes.

Submission:

Labcorp Genetics (formerly Invitae), Labcorp
Classification: Uncertain significance for Early-infantile DEE. Last evaluated: 2025-04-14. Review status: criteria provided, single submitter. Criteria: Invitae Variant Classification Sherloc (09022015). Collection method: clinical testing. Allele origin: germline.
Comment: This sequence change replaces leucine, which is neutral and non-polar, with phenylalanine, which is neutral and non-polar, at codon 133 of the KCNH5 protein (p.Leu133Phe). This variant is present in population databases (no rsID available, gnomAD 0.0009%). This variant has not been reported in the literature in individuals affected with KCNH5-related conditions. ClinVar contains an entry for this variant (Variation ID: 2747825). Invitae Evidence Modeling of protein sequence and biophysical properties (such as structural, functional, and spatial information, amino acid conservation, physicochemical variation, residue mobility, and thermodynamic stability) indicates that this missense variant is not expected to disrupt KCNH5 protein function with a negative predictive value of 95%. In summary, the available evidence is currently insufficient to determine the role of this variant in disease. Therefore, it has been classified as a Variant of Uncertain Significance.

NM_139318.5(KCNH5):c.399G>T (p.Leu133Phe)

Gene: KCNH5 (potassium voltage-gated channel subfamily H member 5; minus strand). Cytogenetic location: 14q23.2.
Variant type: single nucleotide variant.
Coding change: c.399G>T on transcript NM_139318.5 (MANE Select); coding-DNA position 399, G replaced by T.
Protein change: p.Leu133Phe; replaces leucine 133 with phenylalanine.
Molecular consequence: missense variant.
Genome position (GRCh38, 1-based): chr14:63,001,365, C>A on the plus strand (G>T on the coding strand, the complement: KCNH5 is on the minus strand). VCF-style: chr14-63001365-C-A. GRCh37 (hg19) VCF-style: chr14-63468083-C-A.
Other names: c.399G>T, p.Leu133Phe (NM_172375.3); short protein forms L133F.
Identifiers: ClinVar variation 2747825 (VCV002747825.3), dbSNP rs200038886, ClinGen allele CA390105020.